The following is an entry in ClinVar:

NM_001458.5(FLNC):c.6208+3A>G

Genes: FLNC-AS1 (FLNC antisense RNA 1; minus strand), FLNC (filamin C; plus strand). Cytogenetic location: 7q32.1.
Variant type: single nucleotide variant.
Coding change: c.6208+3A>G on transcript NM_001458.5 (MANE Select); 3 bases into the intron after coding-DNA position 6208, A replaced by G.
Molecular consequence: intron variant.
Genome position (GRCh38, 1-based): chr7:128,853,034, A>G. VCF-style: chr7-128853034-A-G. GRCh37 (hg19) VCF-style: chr7-128493088-A-G.
Other names: c.6109+3A>G (NM_001127487.2).
Identifiers: ClinVar variation 1053772 (VCV001053772.9), dbSNP rs1585168169, ClinGen allele CA2499218750.

ClinVar aggregate classification (germline): Uncertain significance (1 of 4 stars; one submission).

Conditions:
Hypertrophic cardiomyopathy 26. Also called: Cardiomyopathy, familial hypertrophic, 26. Identifiers: Orphanet 75249, MedGen C4310749, MONDO:0014883, OMIM 617047.
Distal myopathy with posterior leg and anterior hand involvement. Also called: WILLIAMS DISTAL MYOPATHY. Identifiers: Orphanet 63273, MedGen C3279722, MONDO:0013550, OMIM 614065.
Myofibrillar myopathy 5. Also called: Filaminopathy (type); FILAMINOPATHY, AUTOSOMAL DOMINANT. Identifiers: Orphanet 171445, MedGen C1836050, MONDO:0012289, OMIM 609524.

Submission:

Labcorp Genetics (formerly Invitae), Labcorp
Classification: Uncertain significance for Distal myopathy with posterior leg and anterior hand involvement; Myofibrillar myopathy 5; Hypertrophic cardiomyopathy 26. Last evaluated: 2025-06-18. Review status: criteria provided, single submitter. Criteria: Invitae Variant Classification Sherloc (09022015). Collection method: clinical testing. Allele origin: germline.
Comment: This sequence change falls in intron 37 of the FLNC gene. It does not directly change the encoded amino acid sequence of the FLNC protein. It affects a nucleotide within the consensus splice site. This variant is not present in population databases (gnomAD no frequency). This variant has not been reported in the literature in individuals affected with FLNC-related conditions. ClinVar contains an entry for this variant (Variation ID: 1053772). Variants that disrupt the consensus splice site are a relatively common cause of aberrant splicing (PMID: 17576681, 9536098). Algorithms developed to predict the effect of sequence changes on RNA splicing suggest that this variant may disrupt the consensus splice site. In summary, the available evidence is currently insufficient to determine the role of this variant in disease. Therefore, it has been classified as a Variant of Uncertain Significance.

Literature cited by the submitters: PubMed 17576681; PubMed 9536098.